The following is an entry in ClinVar:

ClinVar aggregate classification (germline): Uncertain significance. Review status: criteria provided, multiple submitters, no conflicts (2 of 4 stars). 2 submissions from 2 submitters: Uncertain significance (2). Last evaluated 2025-07-25.

Conditions:
Hereditary cancer-predisposing syndrome. Also called: Hereditary neoplastic syndrome; Neoplastic Syndromes, Hereditary; Tumor predisposition; Hereditary Cancer Syndrome. Identifiers: Orphanet 140162, MedGen C0027672, MeSH D009386, MONDO:0015356.
Neuroblastoma, susceptibility to, 3. Also called: ALK-Related Neuroblastic Tumor Susceptibility. Identifiers: Orphanet 635, MedGen C2751681, MONDO:0013083, OMIM 613014.

Allele frequency attached by ClinVar (database versions not stated): ExAC 0.00001; gnomAD exomes 0.00001.
gnomAD v4.1: 5 of 1,613,864 alleles (0.00031%); highest among the groups gnomAD compares: East Asian, 0.011%; no homozygotes.

Submissions (2):

Labcorp Genetics (formerly Invitae), Labcorp
Classification: Uncertain significance for Neuroblastoma, susceptibility to, 3. Last evaluated: 2025-07-25. Review status: criteria provided, single submitter. Criteria: Invitae Variant Classification Sherloc (09022015). Collection method: clinical testing. Allele origin: germline.
Comment: This sequence change replaces serine, which is neutral and polar, with asparagine, which is neutral and polar, at codon 171 of the ALK protein (p.Ser171Asn). This variant is present in population databases (rs753403262, gnomAD 0.01%). This variant has not been reported in the literature in individuals affected with ALK-related conditions. ClinVar contains an entry for this variant (Variation ID: 1046640). An algorithm developed to predict the effect of missense changes on protein structure and function (PolyPhen-2) suggests that this variant is likely to be tolerated. In summary, the available evidence is currently insufficient to determine the role of this variant in disease. Therefore, it has been classified as a Variant of Uncertain Significance.

Ambry Genetics
Classification: Uncertain significance for Hereditary cancer-predisposing syndrome. Last evaluated: 2025-04-19. Review status: criteria provided, single submitter. Criteria: Ambry Variant Classification Scheme 2023. Collection method: clinical testing. Allele origin: germline.
Comment: The p.S171N variant (also known as c.512G>A), located in coding exon 1 of the ALK gene, results from a G to A substitution at nucleotide position 512. The serine at codon 171 is replaced by asparagine, an amino acid with highly similar properties. This amino acid position is conserved. In addition, this alteration is predicted to be tolerated by in silico analysis. Based on the available evidence, the clinical significance of this variant remains unclear.

NM_004304.5(ALK):c.512G>A (p.Ser171Asn)

Gene: ALK (ALK receptor tyrosine kinase; minus strand). Cytogenetic location: 2p23.1.
Variant type: single nucleotide variant.
Coding change: c.512G>A on transcript NM_004304.5 (MANE Select); coding-DNA position 512, G replaced by A.
Protein change: p.Ser171Asn; replaces serine 171 with asparagine.
Molecular consequence: missense variant.
Genome position (GRCh38, 1-based): chr2:29,920,148, C>T on the plus strand (G>A on the coding strand, the complement: ALK is on the minus strand). VCF-style: chr2-29920148-C-T. GRCh37 (hg19) VCF-style: chr2-30143014-C-T.
Other names: c.512G>A (NM_004304.4); short protein forms S171N.
Identifiers: ClinVar variation 1046640 (VCV001046640.9), dbSNP rs753403262, ClinGen allele CA1594948.